The following is an entry in ClinVar:

NM_033337.3(CAV3):c.191C>G (p.Thr64Ser)

Genes: OXTR (oxytocin receptor; minus strand), CAV3 (caveolin 3; plus strand). Cytogenetic location: 3p25.3.
Variant type: single nucleotide variant.
Coding change: c.191C>G on transcript NM_033337.3 (MANE Select); coding-DNA position 191, C replaced by G.
Protein change: p.Thr64Ser; replaces threonine 64 with serine.
Molecular consequence: missense variant.
Genome position (GRCh38, 1-based): chr3:8,745,602, C>G. VCF-style: chr3-8745602-C-G. GRCh37 (hg19) VCF-style: chr3-8787288-C-G.
Other names: c.191C>G, p.Thr64Ser (NM_001234.5); short protein forms T64S.
Identifiers: ClinVar variation 8288 (VCV000008288.9), dbSNP rs121909280, ClinGen allele CA215154.

ClinVar aggregate classification (germline): Uncertain significance. Review status: criteria provided, multiple submitters, no conflicts (2 of 4 stars). 4 submissions from 4 submitters: Uncertain significance (2). 2 of the submissions do not count toward it. Last evaluated 2025-09-23.

Conditions:
Long QT syndrome (LQTS). Identifiers: MedGen C0023976, MeSH D008133, MONDO:0002442. Disease mechanism: loss of function. Inheritance: Various modes of inheritance.
Primary familial hypertrophic cardiomyopathy (HCM). Identifiers: Orphanet 99739, MedGen C0949658, MeSH D024741, MONDO:0024573. Inheritance: Various modes of inheritance.
Caveolinopathy. Identifiers: Orphanet 207078, MedGen C5679790, MONDO:0016146.

gnomAD v4.1: 10 of 1,614,150 alleles (0.00062%); highest among the groups gnomAD compares: East Asian, 0.013%; no homozygotes.

Submissions (4):

Labcorp Genetics (formerly Invitae), Labcorp
Classification: Uncertain significance for Long QT syndrome. Last evaluated: 2025-09-23. Review status: criteria provided, single submitter. Criteria: Invitae Variant Classification Sherloc (09022015). Collection method: clinical testing. Allele origin: germline.
Comment: This sequence change replaces threonine, which is neutral and polar, with serine, which is neutral and polar, at codon 64 of the CAV3 protein (p.Thr64Ser). This variant is not present in population databases (gnomAD no frequency). This missense change has been observed in individual(s) with hypertrophic cardiomyopathy and/or limb-girdle muscular dystrophy (PMID: 14672715, 25214167). This variant is also known as T63P. ClinVar contains an entry for this variant (Variation ID: 8288). An algorithm developed to predict the effect of missense changes on protein structure and function (PolyPhen-2) suggests that this variant is likely to be tolerated. Experimental studies have shown that this missense change affects CAV3 function (PMID: 14672715). This variant disrupts the p.Thr64 amino acid residue in CAV3. Other variant(s) that disrupt this residue have been determined to be pathogenic (PMID: 11532985, 14672715). This suggests that this residue is clinically significant, and that variants that disrupt this residue are likely to be disease-causing. In summary, the available evidence is currently insufficient to determine the role of this variant in disease. Therefore, it has been classified as a Variant of Uncertain Significance.

Illumina Laboratory Services, Illumina
Classification: Uncertain significance for Caveolinopathy. Last evaluated: 2017-04-27. Review status: criteria provided, single submitter. Criteria: ICSL Variant Classification Criteria 13 December 2019. Collection method: clinical testing. Allele origin: germline.

Leiden Muscular Dystrophy (CAV3)
No classification provided. Last evaluated: 2012-04-15. Review status: no classification provided. Collection method: curation. Allele origin: germline. Not counted in ClinVar's aggregate classification.

OMIM
Classification: Pathogenic for CARDIOMYOPATHY, FAMILIAL HYPERTROPHIC. Last evaluated: 2005-01-01. Review status: no assertion criteria provided. Collection method: literature only. Allele origin: germline. Not counted in ClinVar's aggregate classification.

Literature cited by the submitters: PubMed 14672715 (cited by Labcorp Genetics (formerly Invitae), Labcorp and OMIM); PubMed 25214167 (cited by Labcorp Genetics (formerly Invitae), Labcorp); PubMed 11532985 (cited by Labcorp Genetics (formerly Invitae), Labcorp); PubMed 15580566 (cited by OMIM).